The following is an entry in ClinVar:

ClinVar aggregate classification (germline): Uncertain significance (1 of 4 stars; one submission).

Allele frequency attached by ClinVar (database versions not stated): ExAC 0.00001.
gnomAD v4.1: 4 of 1,566,510 alleles (0.00026%); highest among the groups gnomAD compares: Admixed American, 0.005%; no homozygotes.

Submission:

Labcorp Genetics (formerly Invitae), Labcorp
Classification: Uncertain significance. Last evaluated: 2021-12-25. Review status: criteria provided, single submitter. Criteria: Invitae Variant Classification Sherloc (09022015). Collection method: clinical testing. Allele origin: germline.
Comment: This variant has not been reported in the literature in individuals affected with SCP2-related conditions. This sequence change replaces aspartic acid, which is acidic and polar, with glutamic acid, which is acidic and polar, at codon 207 of the SCP2 protein (p.Asp207Glu). This variant is present in population databases (rs780353941, gnomAD 0.006%). Algorithms developed to predict the effect of missense changes on protein structure and function output the following: SIFT: "Tolerated"; PolyPhen-2: "Benign"; Align-GVGD: "Class C0". The glutamic acid amino acid residue is found in multiple mammalian species, which suggests that this missense change does not adversely affect protein function. In summary, the available evidence is currently insufficient to determine the role of this variant in disease. Therefore, it has been classified as a Variant of Uncertain Significance.

NM_002979.5(SCP2):c.621T>A (p.Asp207Glu)

Gene: SCP2 (sterol carrier protein 2; plus strand). Cytogenetic location: 1p32.3.
Variant type: single nucleotide variant.
Coding change: c.621T>A on transcript NM_002979.5 (MANE Select); coding-DNA position 621, T replaced by A.
Protein change: p.Asp207Glu; replaces aspartic acid 207 with glutamic acid.
Molecular consequence: missense variant.
Genome position (GRCh38, 1-based): chr1:52,976,716, T>A. VCF-style: chr1-52976716-T-A. GRCh37 (hg19) VCF-style: chr1-53442388-T-A.
Other names: c.489T>A, p.Asp163Glu (NM_001007098.3, NM_001193600.2); c.549T>A, p.Asp183Glu (NM_001193599.2); c.378T>A, p.Asp126Glu (NM_001193617.2); c.621T>A, p.Asp207Glu (NM_001330587.2); short protein forms D126E, D207E, D163E, D183E.
Identifiers: ClinVar variation 1996458 (VCV001996458.3), dbSNP rs780353941, ClinGen allele CA857181.